The following is an entry in ClinVar:

ClinVar aggregate classification (germline): Uncertain significance (1 of 4 stars; one submission).

Allele frequency attached by ClinVar (database versions not stated): ExAC 0.00001; gnomAD 0.00001; gnomAD exomes 0.00001; TOPMed 0.00002; ESP Exome Variant Server 0.00008.
gnomAD v4.1: 15 of 1,613,890 alleles (0.00093%); highest among the groups gnomAD compares: South Asian, 0.0022%; no homozygotes.

Submission:

Labcorp Genetics (formerly Invitae), Labcorp
Classification: Uncertain significance. Last evaluated: 2021-04-23. Review status: criteria provided, single submitter. Criteria: Invitae Variant Classification Sherloc (09022015). Collection method: clinical testing. Allele origin: germline.
Comment: This sequence change replaces isoleucine with threonine at codon 861 of the ASPM protein (p.Ile861Thr). The isoleucine residue is highly conserved and there is a moderate physicochemical difference between isoleucine and threonine. In summary, the available evidence is currently insufficient to determine the role of this variant in disease. Therefore, it has been classified as a Variant of Uncertain Significance. Algorithms developed to predict the effect of sequence changes on RNA splicing suggest that this variant may create or strengthen a splice site, but this prediction has not been confirmed by published transcriptional studies. Algorithms developed to predict the effect of missense changes on protein structure and function are either unavailable or do not agree on the potential impact of this missense change (SIFT: "Deleterious"; PolyPhen-2: "Possibly Damaging"; Align-GVGD: "Class C0"). This variant has not been reported in the literature in individuals with ASPM-related conditions. This variant is present in population databases (rs368796558, ExAC 0.001%).

NM_018136.5(ASPM):c.2582T>C (p.Ile861Thr)

Gene: ASPM (assembly factor for spindle microtubules; minus strand). Cytogenetic location: 1q31.3.
Variant type: single nucleotide variant.
Coding change: c.2582T>C on transcript NM_018136.5 (MANE Select); coding-DNA position 2582, T replaced by C.
Protein change: p.Ile861Thr; replaces isoleucine 861 with threonine.
Molecular consequence: missense variant.
Genome position (GRCh38, 1-based): chr1:197,129,962, A>G on the plus strand (T>C on the coding strand, the complement: ASPM is on the minus strand). VCF-style: chr1-197129962-A-G. GRCh37 (hg19) VCF-style: chr1-197099092-A-G.
Other names: c.2582T>C, p.Ile861Thr (NM_001206846.2); short protein forms I861T.
Identifiers: ClinVar variation 1440380 (VCV001440380.7), dbSNP rs368796558, ClinGen allele CA1310411.